The following is an entry in ClinVar:

ClinVar aggregate classification (germline): Uncertain significance (1 of 4 stars; one submission).

Conditions:
Bloom syndrome (BLM). Also called: Bloom-Torre-Machacek syndrome. Identifiers: Orphanet 125, MedGen C0005859, MONDO:0008876, OMIM 210900.

Submission:

Labcorp Genetics (formerly Invitae), Labcorp
Classification: Uncertain significance for Bloom syndrome. Last evaluated: 2025-03-26. Review status: criteria provided, single submitter. Criteria: Invitae Variant Classification Sherloc (09022015). Collection method: clinical testing. Allele origin: germline.
Comment: This variant, c.1307_1309del, results in the deletion of 1 amino acid(s) of the BLM protein (p.Asp436del), but otherwise preserves the integrity of the reading frame. This variant is not present in population databases (gnomAD no frequency). This variant has not been reported in the literature in individuals affected with BLM-related conditions. Experimental studies and prediction algorithms are not available or were not evaluated, and the functional significance of this variant is currently unknown. In summary, the available evidence is currently insufficient to determine the role of this variant in disease. Therefore, it has been classified as a Variant of Uncertain Significance.

NM_000057.4(BLM):c.1307_1309del (p.Asp436del)

Gene: BLM (BLM RecQ like helicase; plus strand). Cytogenetic location: 15q26.1.
Variant type: Deletion.
Coding change: c.1307_1309del on transcript NM_000057.4 (MANE Select); coding-DNA positions 1307 to 1309, 3 bases deleted (ATG; older notation c.1307_1309delATG).
Protein change: p.Asp436del; deletes aspartic acid 436.
Molecular consequence: inframe deletion.
Genome position (GRCh38, 1-based): chr15:90,760,680-90,760,682, ATG deleted; deleting any 3 consecutive bases within chr15:90,760,678-90,760,682 gives the same sequence; the c. name uses the placement nearest the transcript's 3' end. VCF-style (leftmost placement, unchanged base first): chr15-90760677-TTGA-T. GRCh37 (hg19) VCF-style: chr15-91303907-TTGA-T.
Other names: c.1307_1309del, p.Asp436del (NM_001287246.2, NM_001287247.2); c.182_184del, p.Asp61del (NM_001287248.2); short protein forms D436del, D61del.
Identifiers: ClinVar variation 4716143 (VCV004716143.1).
Genomic context (GRCh38, chr15:90,760,677, plus strand): 5'-ATTTTAATAAAAGTGATGCCAGTCTTCTTGGCTCATTGTGGAGATACAGGCCTGATTCAC[TTGA>T]TGGCCCTATGGAGGGTGATTCCTGCCCTACAGGGAATTCTATGAAGGAGTTAAATTTTTC-3'